The following is an entry in ClinVar:

ClinVar aggregate classification (germline): Conflicting classifications of pathogenicity. Review status: criteria provided, conflicting classifications (1 of 4 stars). 4 submissions from 4 submitters: Uncertain significance (2); Likely benign (1). 1 of the submissions does not count toward it. Last evaluated 2026-03-01.

Conditions:
CD96-related disorder. Also called: CD96-related condition.

Allele frequency attached by ClinVar (database versions not stated): ExAC 0.00021; gnomAD exomes 0.00021 and 0.00023; ESP Exome Variant Server 0.00023; gnomAD 0.00025 and 0.00026; TOPMed 0.00026 and 0.00028.

Submissions (4):

CeGaT Center for Human Genetics Tuebingen
Classification: Likely benign. Last evaluated: 2026-03-01. Review status: criteria provided, single submitter. Criteria: CeGaT Center For Human Genetics Tuebingen Variant Classification Criteria Version 2. Collection method: clinical testing. Allele origin: germline. Affected: yes. Observed: 1 variant allele.
Comment: CD96: BP4

Labcorp Genetics (formerly Invitae), Labcorp
Classification: Uncertain significance. Last evaluated: 2025-03-29. Review status: criteria provided, single submitter. Criteria: Invitae Variant Classification Sherloc (09022015). Collection method: clinical testing. Allele origin: germline.
Comment: This sequence change replaces serine, which is neutral and polar, with asparagine, which is neutral and polar, at codon 405 of the CD96 protein (p.Ser405Asn). This variant is present in population databases (rs138396447, gnomAD 0.04%). This variant has not been reported in the literature in individuals affected with CD96-related conditions. ClinVar contains an entry for this variant (Variation ID: 2073830). Invitae Evidence Modeling of protein sequence and biophysical properties (such as structural, functional, and spatial information, amino acid conservation, physicochemical variation, residue mobility, and thermodynamic stability) indicates that this missense variant is not expected to disrupt CD96 protein function with a negative predictive value of 80%. In summary, the available evidence is currently insufficient to determine the role of this variant in disease. Therefore, it has been classified as a Variant of Uncertain Significance.

Ambry Genetics
Classification: Uncertain significance. Last evaluated: 2021-08-02. Review status: criteria provided, single submitter. Criteria: Ambry Variant Classification Scheme 2023. Collection method: clinical testing. Allele origin: germline.

PreventionGenetics, part of Exact Sciences
Classification: Likely benign for CD96-related condition. Last evaluated: 2020-06-10. Review status: no assertion criteria provided. Collection method: clinical testing. Allele origin: germline. Not counted in ClinVar's aggregate classification.
Comment: This variant is classified as likely benign based on ACMG/AMP sequence variant interpretation guidelines (Richards et al. 2015 PMID: 25741868, with internal and published modifications).

NM_005816.5(CD96):c.1166G>A (p.Ser389Asn)

Gene: CD96 (CD96 molecule; plus strand). Cytogenetic location: 3q13.2.
Variant type: single nucleotide variant.
Coding change: c.1166G>A on transcript NM_005816.5 (MANE Select); coding-DNA position 1166, G replaced by A.
Protein change: p.Ser389Asn; replaces serine 389 with asparagine.
Molecular consequence: missense variant. On other transcripts: non-coding transcript variant (1).
Genome position (GRCh38, 1-based): chr3:111,606,778, G>A. VCF-style: chr3-111606778-G-A. GRCh37 (hg19) VCF-style: chr3-111325625-G-A.
Other names: c.1214G>A, p.Ser405Asn (NM_198196.3); c.1166G>A, p.Ser389Asn (NM_001318889.2); short protein forms S405N, S389N.
Identifiers: ClinVar variation 2073830 (VCV002073830.11), dbSNP rs138396447, ClinGen allele CA2534658.
Genomic context (GRCh38, chr3:111,606,778, plus strand): 5'-CAGACCCTCCACTGAGTGTTACAGAATCTACCCTTGACACCCAACCTTCTCCAGCCAGCA[G>A]TGTATCTCCTGCAAGTAAGAATGTTTTCACACTGAGCTATTGATTTAACCAAGCAGATTG-3'
Protein context (NP_005807.1, residues 379-399): TLDTQPSPAS[Ser389Asn]VSPARYPATS